The following is an entry in ClinVar:

NM_014915.3(ANKRD26):c.1924G>T (p.Gly642Cys)

Gene: ANKRD26 (ankyrin repeat domain containing 26; minus strand). Cytogenetic location: 10p12.1.
Variant type: single nucleotide variant.
Coding change: c.1924G>T on transcript NM_014915.3 (MANE Select); coding-DNA position 1924, G replaced by T.
Protein change: p.Gly642Cys; replaces glycine 642 with cysteine.
Molecular consequence: missense variant.
Genome position (GRCh38, 1-based): chr10:27,046,414, C>A on the plus strand (G>T on the coding strand, the complement: ANKRD26 is on the minus strand). VCF-style: chr10-27046414-C-A. GRCh37 (hg19) VCF-style: chr10-27335343-C-A.
Other names: c.1921G>T, p.Gly641Cys (NM_001256053.2); short protein forms G641C, G642C.
Identifiers: ClinVar variation 3913306 (VCV003913306.1).

ClinVar aggregate classification (germline): Uncertain significance (1 of 4 stars; one submission).

Conditions:
Inborn genetic diseases. Identifiers: MedGen C0950123, MeSH D030342.

gnomAD v4.1: 1 of 1,614,108 alleles (0.000062%); highest among the groups gnomAD compares: South Asian, 0.0011%; no homozygotes.

Submission:

Ambry Genetics
Classification: Uncertain significance for Inborn genetic diseases. Last evaluated: 2025-03-27. Review status: criteria provided, single submitter. Criteria: Ambry Variant Classification Scheme 2023. Collection method: clinical testing. Allele origin: germline.
Comment: The p.G642C variant (also known as c.1924G>T), located in coding exon 18 of the ANKRD26 gene, results from a G to T substitution at nucleotide position 1924. The glycine at codon 642 is replaced by cysteine, an amino acid with highly dissimilar properties. This amino acid position is conserved. In addition, this alteration is predicted to be tolerated by in silico analysis. Based on the available evidence, the clinical significance of this variant remains unclear.